The following is an entry in ClinVar:

ClinVar aggregate classification (germline): Uncertain significance (1 of 4 stars; one submission).

Submission:

GeneDx
Classification: Uncertain significance. Last evaluated: 2019-10-29. Review status: criteria provided, single submitter. Criteria: GeneDx Variant Classification Process June 2021. Collection method: clinical testing. Allele origin: germline. Affected: yes.
Comment: Not observed in large population cohorts (Lek et al., 2016); In silico analysis, which includes protein predictors and evolutionary conservation, supports a deleterious effect; Has not been previously published as pathogenic or benign to our knowledge

NM_001372044.2(SHANK3):c.5225T>C (p.Leu1742Pro)

Gene: SHANK3 (SH3 and multiple ankyrin repeat domains 3; plus strand). Cytogenetic location: 22q13.33.
Variant type: single nucleotide variant.
Coding change: c.5225T>C on transcript NM_001372044.2 (MANE Select); coding-DNA position 5225, T replaced by C.
Protein change: p.Leu1742Pro; replaces leucine 1742 with proline.
Molecular consequence: missense variant.
Genome position (GRCh38, 1-based): chr22:50,731,116, T>C. VCF-style: chr22-50731116-T-C. GRCh37 (hg19) VCF-style: chr22-51169544-T-C.
Other names: c.5000T>C (NM_033517.1); short protein forms L1742P.
Identifiers: ClinVar variation 1309827 (VCV001309827.2), dbSNP rs2146843947, ClinGen allele CA515267633.